The following is an entry in ClinVar:

NM_198904.4(GABRG2):c.631+1G>T

Gene: GABRG2 (gamma-aminobutyric acid type A receptor subunit gamma2; plus strand). Cytogenetic location: 5q34.
Variant type: single nucleotide variant.
Coding change: c.631+1G>T on transcript NM_198904.4 (MANE Select); the canonical splice donor site of the intron after coding-DNA position 631, G replaced by T.
Molecular consequence: splice donor variant.
Genome position (GRCh38, 1-based): chr5:162,101,318, G>T. VCF-style: chr5-162101318-G-T. GRCh37 (hg19) VCF-style: chr5-161528324-G-T.
Other names: c.346+1G>T (NM_001375349.1); c.631+1G>T (NM_001375343.1, NM_001375344.1, NM_001375340.1 and 4 more transcripts); c.211+1G>T (NM_001375350.1, NM_001375348.1); c.622+1G>T (NM_001375339.1); c.565+1G>T (NM_001375346.1, NM_001375345.1); c.544+1G>T (NM_001375347.1).
Identifiers: ClinVar variation 2946226 (VCV002946226.3), dbSNP rs1761398209, ClinGen allele CA362184686.

ClinVar aggregate classification (germline): Likely pathogenic (1 of 4 stars; one submission).

Conditions:
EPILEPSY, CHILDHOOD ABSENCE, SUSCEPTIBILITY TO, 2 (ECA2). Identifiers: Orphanet 64280, MedGen C1843244, OMIM 607681.
Febrile seizures, familial, 8 (FEB8). Also called: CONVULSIONS, FAMILIAL FEBRILE, 8. Identifiers: Orphanet 36387, MedGen C1969810, MONDO:0011891, OMIM 607681.

Submission:

Labcorp Genetics (formerly Invitae), Labcorp
Classification: Likely pathogenic for Febrile seizures, familial, 8; EPILEPSY, CHILDHOOD ABSENCE, SUSCEPTIBILITY TO, 2. Last evaluated: 2023-09-22. Review status: criteria provided, single submitter. Criteria: Invitae Variant Classification Sherloc (09022015). Collection method: clinical testing. Allele origin: germline.
Comment: Algorithms developed to predict the effect of sequence changes on RNA splicing suggest that this variant may disrupt the consensus splice site. This variant has not been reported in the literature in individuals affected with GABRG2-related conditions. This variant is not present in population databases (gnomAD no frequency). This sequence change affects a donor splice site in intron 5 of the GABRG2 gene. It is expected to disrupt RNA splicing. Variants that disrupt the donor or acceptor splice site typically lead to a loss of protein function (PMID: 16199547), and loss-of-function variants in GABRG2 are known to be pathogenic (PMID: 22539854, 22750526, 24407264). In summary, the currently available evidence indicates that the variant is pathogenic, but additional data are needed to prove that conclusively. Therefore, this variant has been classified as Likely Pathogenic.

Literature cited by the submitters: PubMed 16199547; PubMed 22539854; PubMed 22750526; PubMed 24407264.